The following is an entry in ClinVar:

NM_000141.5(FGFR2):c.2410C>T (p.Pro804Ser)

Gene: FGFR2 (fibroblast growth factor receptor 2; minus strand). Cytogenetic location: 10q26.13.
Variant type: single nucleotide variant.
Coding change: c.2410C>T on transcript NM_000141.5 (MANE Select); coding-DNA position 2410, C replaced by T.
Protein change: p.Pro804Ser; replaces proline 804 with serine.
Molecular consequence: missense variant. On other transcripts: non-coding transcript variant (1), intron variant (1).
Genome position (GRCh38, 1-based): chr10:121,479,913, G>A on the plus strand (C>T on the coding strand, the complement: FGFR2 is on the minus strand). VCF-style: chr10-121479913-G-A. GRCh37 (hg19) VCF-style: chr10-123239427-G-A.
Other names: c.2074C>T, p.Pro692Ser (NM_001144914.1); c.2065C>T, p.Pro689Ser (NM_001144916.2); c.2062C>T, p.Pro688Ser (NM_001144917.2); c.2059C>T, p.Pro687Ser (NM_001144918.2); c.1726C>T, p.Pro576Ser (NM_001320654.2); c.2404C>T, p.Pro802Ser (NM_001320658.2); c.2413C>T, p.Pro805Ser (NM_022970.4); c.2143C>T, p.Pro715Ser (NM_023029.3); and 1 more; short protein forms P687S, P689S, P688S, P692S, P804S, P802S, P576S, P715S.
Identifiers: ClinVar variation 1045256 (VCV001045256.6), dbSNP rs575812178, ClinGen allele CA5720454.
Genomic context (GRCh38, chr10:121,479,913, plus strand): 5'-TCATTCATGTTTTAACACTGCCGTTTATGTGTGGATACTGAGGAAGGCATGGTTCGTAAG[G>A]CATGGGGTCTGGAGAAAAAACAGAATCATCTCCTGAAGAACAAGAACTTCTTGTGTCAGG-3'
Protein context (NP_000132.3, residues 794-814): DDSVFSPDPM[Pro804Ser]YEPCLPQYPH

ClinVar aggregate classification (germline): Uncertain significance. Review status: criteria provided, multiple submitters, no conflicts (2 of 4 stars). 2 submissions from 2 submitters: Uncertain significance (2). Last evaluated 2021-08-31.

Conditions:
FGFR2-related craniosynostosis. Identifiers: MedGen CN231480.

Allele frequency attached by ClinVar (database versions not stated): TOPMed 0.00001; 1000 Genomes Project 30x 0.00016; 1000 Genomes Project 0.00020.
gnomAD v4.1: 3 of 1,614,140 alleles (0.00019%); highest among the groups gnomAD compares: East Asian, 0.0022%; no homozygotes.

Submissions (2):

Labcorp Genetics (formerly Invitae), Labcorp
Classification: Uncertain significance for FGFR2-related craniosynostosis. Last evaluated: 2021-08-31. Review status: criteria provided, single submitter. Criteria: Invitae Variant Classification Sherloc (09022015). Collection method: clinical testing. Allele origin: germline.

GeneDx
Classification: Uncertain significance. Last evaluated: 2019-07-08. Review status: criteria provided, single submitter. Criteria: GeneDx Variant Classification Process June 2021. Collection method: clinical testing. Allele origin: germline. Affected: yes.
Comment: In silico analysis, which includes protein predictors and evolutionary conservation, supports a deleterious effect; Has not been previously published as pathogenic or benign to our knowledge